The following is an entry in ClinVar:

ClinVar aggregate classification (germline): Uncertain significance (1 of 4 stars; one submission).

Conditions:
Dystonia 12 (DYT12). Also called: DYT-ATP1A3; Rapid-Onset Dystonia-Parkinsonism (RDP). Identifiers: Orphanet 71517, MedGen C1868681, MONDO:0007496, OMIM 128235.

Submission:

Labcorp Genetics (formerly Invitae), Labcorp
Classification: Uncertain significance for Dystonia 12. Last evaluated: 2025-10-10. Review status: criteria provided, single submitter. Criteria: Invitae Variant Classification Sherloc (09022015). Collection method: clinical testing. Allele origin: germline.
Comment: This sequence change replaces threonine, which is neutral and polar, with isoleucine, which is neutral and non-polar, at codon 372 of the ATP1A3 protein (p.Thr372Ile). This variant is not present in population databases (gnomAD no frequency). This variant has not been reported in the literature in individuals affected with ATP1A3-related conditions. Invitae Evidence Modeling of protein sequence and biophysical properties (such as structural, functional, and spatial information, amino acid conservation, physicochemical variation, residue mobility, and thermodynamic stability) indicates that this missense variant is expected to disrupt ATP1A3 protein function with a positive predictive value of 95%. In summary, the available evidence is currently insufficient to determine the role of this variant in disease. Therefore, it has been classified as a Variant of Uncertain Significance.

NM_152296.5(ATP1A3):c.1115C>T (p.Thr372Ile)

Gene: ATP1A3 (ATPase Na+/K+ transporting subunit alpha 3; minus strand). Cytogenetic location: 19q13.2.
Variant type: single nucleotide variant.
Coding change: c.1115C>T on transcript NM_152296.5 (MANE Select); coding-DNA position 1115, C replaced by T.
Protein change: p.Thr372Ile; replaces threonine 372 with isoleucine.
Molecular consequence: missense variant.
Genome position (GRCh38, 1-based): chr19:41,981,985, G>A on the plus strand (C>T on the coding strand, the complement: ATP1A3 is on the minus strand). VCF-style: chr19-41981985-G-A. GRCh37 (hg19) VCF-style: chr19-42486137-G-A.
Other names: c.1148C>T, p.Thr383Ile (NM_001256213.2); c.1154C>T, p.Thr385Ile (NM_001256214.2); short protein forms T372I, T383I, T385I.
Identifiers: ClinVar variation 4802156 (VCV004802156.1).